The following is an entry in ClinVar:

ClinVar aggregate classification (germline): Likely benign. Review status: criteria provided, multiple submitters, no conflicts (2 of 4 stars). 3 submissions from 3 submitters: Likely benign (2). 1 of the submissions does not count toward it. Last evaluated 2026-09-01.

Conditions:
FDXR-related disorder. Also called: FDXR-related condition; FDXR-related disorders.

Allele frequency attached by ClinVar (database versions not stated): 1000 Genomes Project 30x 0.00016; 1000 Genomes Project 0.00020; ExAC 0.00066; ESP Exome Variant Server 0.00077.
gnomAD v4.1: 929 of 1,614,080 alleles (0.058%); highest among the groups gnomAD compares: Middle Eastern, 0.48%; 1 homozygote.

Submissions (3):

CeGaT Center for Human Genetics Tuebingen
Classification: Likely benign. Last evaluated: 2026-09-01. Review status: criteria provided, single submitter. Criteria: CeGaT Center For Human Genetics Tuebingen Variant Classification Criteria Version 2. Collection method: clinical testing. Allele origin: germline. Affected: yes. Observed: 4 variant alleles.
Comment: FDXR: BP4, BP7

Blueprint Genetics
Classification: Likely benign. Last evaluated: 2024-11-27. Review status: criteria provided, single submitter. Criteria: ACMG Guidelines, 2015. Collection method: clinical testing. Allele origin: germline.

PreventionGenetics, part of Exact Sciences
Classification: Likely benign for FDXR-related condition. Last evaluated: 2019-08-01. Review status: no assertion criteria provided. Collection method: clinical testing. Allele origin: germline. Not counted in ClinVar's aggregate classification.
Comment: This variant is classified as likely benign based on ACMG/AMP sequence variant interpretation guidelines (Richards et al. 2015 PMID: 25741868, with internal and published modifications).

NM_024417.5(FDXR):c.1083G>A (p.Gly361=)

Gene: FDXR (ferredoxin reductase; minus strand). Cytogenetic location: 17q25.1.
Variant type: single nucleotide variant.
Coding change: c.1083G>A on transcript NM_024417.5 (MANE Select); coding-DNA position 1083, G replaced by A.
Protein change: p.Gly361=; no amino-acid change (glycine 361 retained).
Molecular consequence: synonymous variant. On other transcripts: non-coding transcript variant (1).
Genome position (GRCh38, 1-based): chr17:74,863,987, C>T on the plus strand (G>A on the coding strand, the complement: FDXR is on the minus strand). VCF-style: chr17-74863987-C-T. GRCh37 (hg19) VCF-style: chr17-72860109-C-T.
Other names: c.1212G>A, p.Gly404= (NM_001258012.4); c.1176G>A, p.Gly392= (NM_001258013.4); c.1059G>A, p.Gly353= (NM_001258014.4); c.963G>A, p.Gly321= (NM_001258015.3); c.927G>A, p.Gly309= (NM_001258016.3); c.1101G>A, p.Gly367= (NM_004110.6).
Identifiers: ClinVar variation 3034366 (VCV003034366.16), dbSNP rs34232683, ClinGen allele CA8752926.